The following is an entry in ClinVar:

NM_001369.3(DNAH5):c.11468G>A (p.Gly3823Asp)

Gene: DNAH5 (dynein axonemal heavy chain 5; minus strand). Cytogenetic location: 5p15.2.
Variant type: single nucleotide variant.
Coding change: c.11468G>A on transcript NM_001369.3 (MANE Select); coding-DNA position 11468, G replaced by A.
Protein change: p.Gly3823Asp; replaces glycine 3823 with aspartic acid.
Molecular consequence: missense variant.
Genome position (GRCh38, 1-based): chr5:13,735,920, C>T on the plus strand (G>A on the coding strand, the complement: DNAH5 is on the minus strand). VCF-style: chr5-13735920-C-T. GRCh37 (hg19) VCF-style: chr5-13736029-C-T.
Other names: short protein forms G3823D.
Identifiers: ClinVar variation 3767236 (VCV003767236.1).

ClinVar aggregate classification (germline): Uncertain significance (1 of 4 stars; one submission).

Conditions:
Primary ciliary dyskinesia 3. Identifiers: Orphanet 244, MedGen C1837618, MONDO:0012085, OMIM 608644.

Submission:

Department of Human Genetics, Hannover Medical School
Classification: Uncertain significance for Primary ciliary dyskinesia 3. Last evaluated: 2025-03-07. Review status: criteria provided, single submitter. Criteria: ACMG Guidelines, 2015. Collection method: clinical testing. Allele origin: germline. Inheritance: Autosomal recessive inheritance. Affected: yes.
Comment: ACMG: PM2_Supporting, PP3_Moderate